The following is an entry in ClinVar:

NM_005235.3(ERBB4):c.867T>A (p.Cys289Ter)

Gene: ERBB4 (erb-b2 receptor tyrosine kinase 4; minus strand). Cytogenetic location: 2q34.
Variant type: single nucleotide variant.
Coding change: c.867T>A on transcript NM_005235.3 (MANE Select); coding-DNA position 867, T replaced by A.
Protein change: p.Cys289Ter; replaces cysteine 289 with a stop codon.
Molecular consequence: nonsense.
Genome position (GRCh38, 1-based): chr2:211,722,409, A>T on the plus strand (T>A on the coding strand, the complement: ERBB4 is on the minus strand). VCF-style: chr2-211722409-A-T. GRCh37 (hg19) VCF-style: chr2-212587134-A-T.
Other names: c.867T>A, p.Cys289Ter (NM_001042599.2); short protein forms C289*.
Identifiers: ClinVar variation 3648407 (VCV003648407.2).

ClinVar aggregate classification (germline): Uncertain significance (1 of 4 stars; one submission).

Submission:

Labcorp Genetics (formerly Invitae), Labcorp
Classification: Uncertain significance. Last evaluated: 2024-04-02. Review status: criteria provided, single submitter. Criteria: Invitae Variant Classification Sherloc (09022015). Collection method: clinical testing. Allele origin: germline.
Comment: This sequence change creates a premature translational stop signal (p.Cys289*) in the ERBB4 gene. It is expected to result in an absent or disrupted protein product. However, the current clinical and genetic evidence is not sufficient to establish whether loss-of-function variants in ERBB4 cause disease. This variant is not present in population databases (gnomAD no frequency). This variant has not been reported in the literature in individuals affected with ERBB4-related conditions. In summary, the available evidence is currently insufficient to determine the role of this variant in disease. Therefore, it has been classified as a Variant of Uncertain Significance.